The following is an entry in ClinVar:

NM_002439.5(MSH3):c.2814-95_2871del

Gene: MSH3 (mutS homolog 3; plus strand). Cytogenetic location: 5q14.1.
Variant type: Deletion.
Coding change: c.2814-95_2871del on transcript NM_002439.5 (MANE Select); 95 bases into the intron before coding-DNA position 2814 through coding-DNA position 2871, 153 bases deleted.
Molecular consequence: splice acceptor variant.
Genome position (GRCh38, 1-based): chr5:80,854,035-80,854,187, 153 bases deleted. GRCh37 (hg19): chr5:80,149,854-80,150,006.
Identifiers: ClinVar variation 1796357 (VCV001796357.3), dbSNP rs2478770815, ClinGen allele CA2580073524.

ClinVar aggregate classification (germline): Likely pathogenic (1 of 4 stars; one submission).

Conditions:
Hereditary cancer-predisposing syndrome. Also called: Tumor predisposition; Hereditary Cancer Syndrome; Neoplastic Syndromes, Hereditary; Hereditary neoplastic syndrome. Identifiers: Orphanet 140162, MedGen C0027672, MeSH D009386, MONDO:0015356.

Submission:

Ambry Genetics
Classification: Likely pathogenic for Hereditary cancer-predisposing syndrome. Last evaluated: 2025-08-14. Review status: criteria provided, single submitter. Criteria: Ambry Variant Classification Scheme 2023. Collection method: clinical testing. Allele origin: germline.
Comment: The c.2814-95_2871del153 variant results from a deletion of 153 nucleotides between positions c.2814-95 and c.2871 and involves the canonical splice acceptor site before coding exon 21 of the MSH3 gene. This variant is considered to be rare based on population cohorts in the Genome Aggregation Database (gnomAD). The canonical splice acceptor site is well conserved in available vertebrate species. In silico splice site analysis predicts that this alteration will weaken the native splice acceptor site and may result in the creation or strengthening of a novel splice acceptor site; however, direct evidence is insufficient at this time (Ambry internal data). Alterations that disrupt the canonical splice site are expected to cause aberrant splicing, resulting in an abnormal protein or a transcript that is subject to nonsense-mediated mRNA decay. As such, this alteration is classified as likely pathogenic.